The following is an entry in ClinVar:

NM_001376.5(DYNC1H1):c.8262C>T (p.Ala2754=)

Gene: DYNC1H1 (dynein cytoplasmic 1 heavy chain 1; plus strand). Cytogenetic location: 14q32.31.
Variant type: single nucleotide variant.
Coding change: c.8262C>T on transcript NM_001376.5 (MANE Select); coding-DNA position 8262, C replaced by T.
Protein change: p.Ala2754=; no amino-acid change (alanine 2754 retained).
Molecular consequence: synonymous variant.
Genome position (GRCh38, 1-based): chr14:102,018,535, C>T. VCF-style: chr14-102018535-C-T. GRCh37 (hg19) VCF-style: chr14-102484872-C-T.
Identifiers: ClinVar variation 916962 (VCV000916962.13), dbSNP rs758178917, ClinGen allele CA7352985.

ClinVar aggregate classification (germline): Likely benign. Review status: criteria provided, multiple submitters, no conflicts (2 of 4 stars). 5 submissions from 5 submitters: Likely benign (4). 1 of the submissions does not count toward it. Last evaluated 2024-10-30.

Conditions:
Charcot-Marie-Tooth disease axonal type 2O. Also called: CHARCOT-MARIE-TOOTH NEUROPATHY, AXONAL, TYPE 2O; CHARCOT-MARIE-TOOTH DISEASE, AXONAL, AUTOSOMAL DOMINANT, TYPE 2O; Charcot-Marie-Tooth disease, axonal, type 20; Charcot-Marie-Tooth Neuropathy Type 2O. Identifiers: Orphanet 284232, MedGen C3280220, MONDO:0013644, OMIM 614228.
DYNC1H1-related disorder. Also called: DYNC1H1-related condition; DYNC1H1-related disorders. Identifiers: MedGen CN381529.
Charcot-Marie-Tooth disease. Also called: Charcot-Marie-Tooth Neuropathy; Charcot-Marie-Tooth Hereditary Neuropathy. Identifiers: Orphanet 166, MedGen C0007959, MONDO:0015626.

Allele frequency attached by ClinVar (database versions not stated): ExAC 0.00001; gnomAD 0.00001; TOPMed 0.00001; gnomAD exomes 0.00002.
gnomAD v4.1: 14 of 1,614,012 alleles (0.00087%); highest among the groups gnomAD compares: Non-Finnish European, 0.001%; no homozygotes.

Submissions (5):

Blueprint Genetics
Classification: Likely benign. Last evaluated: 2024-10-30. Review status: criteria provided, single submitter. Criteria: ACMG Guidelines, 2015. Collection method: clinical testing. Allele origin: germline.

Labcorp Genetics (formerly Invitae), Labcorp
Classification: Likely benign for Charcot-Marie-Tooth disease axonal type 2O. Last evaluated: 2024-07-22. Review status: criteria provided, single submitter. Criteria: Invitae Variant Classification Sherloc (09022015). Collection method: clinical testing. Allele origin: germline.

Women's Health and Genetics/Laboratory Corporation of America, LabCorp
Classification: Likely benign. Last evaluated: 2024-04-25. Review status: criteria provided, single submitter. Criteria: LabCorp Variant Classification Summary - May 2015. Collection method: clinical testing. Allele origin: germline.

Molecular Genetics Laboratory, London Health Sciences Centre
Classification: Likely benign for Charcot-Marie-Tooth disease. Review status: criteria provided, single submitter. Criteria: ACMG Guidelines, 2015. Collection method: clinical testing. Allele origin: germline. Affected: yes.

PreventionGenetics, part of Exact Sciences
Classification: Likely benign for DYNC1H1-related condition. Last evaluated: 2023-08-28. Review status: no assertion criteria provided. Collection method: clinical testing. Allele origin: germline. Not counted in ClinVar's aggregate classification.
Comment: This variant is classified as likely benign based on ACMG/AMP sequence variant interpretation guidelines (Richards et al. 2015 PMID: 25741868, with internal and published modifications).